The following is an entry in ClinVar:

ClinVar aggregate classification (germline): Likely benign (0 of 4 stars; one submission).

Conditions:
KCNQ1-related disorder. Also called: KCNQ1-related condition; KCNQ1-related disorders. Identifiers: MedGen CN239322.

Submission:

PreventionGenetics, part of Exact Sciences
Classification: Likely benign for KCNQ1-related condition. Last evaluated: 2020-03-23. Review status: no assertion criteria provided. Collection method: clinical testing. Allele origin: germline.
Comment: This variant is classified as likely benign based on ACMG/AMP sequence variant interpretation guidelines (Richards et al. 2015 PMID: 25741868, with internal and published modifications).

NM_000218.3(KCNQ1):c.1514+4281T>A

Genes: KCNQ1 (potassium voltage-gated channel subfamily Q member 1; plus strand), KCNQ1OT1 (KCNQ1 opposite strand/antisense transcript 1; minus strand). Cytogenetic location: 11p15.5.
Variant type: single nucleotide variant.
Coding change: c.1514+4281T>A on transcript NM_000218.3 (MANE Select); 4281 bases into the intron after coding-DNA position 1514, T replaced by A.
Molecular consequence: intron variant. On other transcripts: non-coding transcript variant (1).
Genome position (GRCh38, 1-based): chr11:2,666,362, T>A. VCF-style: chr11-2666362-T-A. GRCh37 (hg19) VCF-style: chr11-2687592-T-A.
Other names: c.1244+4281T>A (NM_001406837.1); c.1418+4281T>A (NM_001406836.1); c.974+4281T>A (NM_001406838.1); c.1133+4281T>A (NM_181798.2).
Identifiers: ClinVar variation 3042122 (VCV003042122.2), dbSNP rs2493883921, ClinGen allele CA472738748.
Genomic context (GRCh38, chr11:2,666,362, plus strand): 5'-AAGCTGCAGAGACCCCCACCAGGTGACTGTGAGCACCTCCCTGGCAAGCATGTGCTTGCC[T>A]GGCCTCTTGTGACATGACAGCTTCGCAAATCCTTGAGCAAAAACAGCCCCGTGTGCGTTA-3'